The following is an entry in ClinVar:

ClinVar aggregate classification (germline): Uncertain significance (1 of 4 stars; one submission).

Conditions:
Cataract 17 multiple types. Also called: CATARACT 17, PULVERULENT; CATARACT 17, CONGENITAL NUCLEAR, AUTOSOMAL RECESSIVE. Identifiers: Orphanet 91492, MedGen C3888124, MONDO:0012688, OMIM 611544.

Allele frequency attached by ClinVar (database versions not stated): ExAC 0.00003; TOPMed 0.00006; gnomAD exomes 0.00007; ESP Exome Variant Server 0.00008; gnomAD 0.00008.
gnomAD v4.1: 114 of 1,614,002 alleles (0.0071%); highest among the groups gnomAD compares: East Asian, 0.0089%; no homozygotes.

Submission:

Labcorp Genetics (formerly Invitae), Labcorp
Classification: Uncertain significance for Cataract 17 multiple types. Last evaluated: 2023-04-29. Review status: criteria provided, single submitter. Criteria: Invitae Variant Classification Sherloc (09022015). Collection method: clinical testing. Allele origin: germline.
Comment: ClinVar contains an entry for this variant (Variation ID: 2154537). Advanced modeling of protein sequence and biophysical properties (such as structural, functional, and spatial information, amino acid conservation, physicochemical variation, residue mobility, and thermodynamic stability) performed at Invitae indicates that this missense variant is expected to disrupt CRYBB1 protein function. In summary, the available evidence is currently insufficient to determine the role of this variant in disease. Therefore, it has been classified as a Variant of Uncertain Significance. This variant has not been reported in the literature in individuals affected with CRYBB1-related conditions. This sequence change replaces arginine, which is basic and polar, with tryptophan, which is neutral and slightly polar, at codon 214 of the CRYBB1 protein (p.Arg214Trp). This variant is present in population databases (rs140643436, gnomAD 0.006%).

NM_001887.4(CRYBB1):c.640C>T (p.Arg214Trp)

Genes: CRYBA4 (crystallin beta A4; plus strand), CRYBB1 (crystallin beta B1; minus strand). Cytogenetic location: 22q12.1.
Variant type: single nucleotide variant.
Coding change: c.640C>T on transcript NM_001887.4 (MANE Select); coding-DNA position 640, C replaced by T.
Protein change: p.Arg214Trp; replaces arginine 214 with tryptophan.
Molecular consequence: missense variant.
Genome position (GRCh38, 1-based): chr22:26,599,609, G>A on the plus strand (C>T on the coding strand, the complement: CRYBB1 is on the minus strand). VCF-style: chr22-26599609-G-A. GRCh37 (hg19) VCF-style: chr22-26995573-G-A.
Other names: short protein forms R214W.
Identifiers: ClinVar variation 2154537 (VCV002154537.4), dbSNP rs140643436, ClinGen allele CA10165381.